The following is an entry in ClinVar:

ClinVar aggregate classification (germline): Uncertain significance. Review status: criteria provided, multiple submitters, no conflicts (2 of 4 stars). 3 submissions from 3 submitters: Uncertain significance (3). Last evaluated 2025-07-30.

Conditions:
Hereditary cancer-predisposing syndrome. Also called: Hereditary Cancer Syndrome; Hereditary neoplastic syndrome; Neoplastic Syndromes, Hereditary; Tumor predisposition. Identifiers: Orphanet 140162, MedGen C0027672, MeSH D009386, MONDO:0015356.
Ataxia-telangiectasia syndrome (AT). Also called: Ataxia-telangiectasia, complementation group E; LOUIS-BAR SYNDROME; Cerebello-oculocutaneous telangiectasia; Immunodeficiency with ataxia telangiectasia; Ataxia-telangiectasia, complementation group D; AT, COMPLEMENTATION GROUP C. Identifiers: Orphanet 100, MedGen C0004135, MONDO:0008840, OMIM 208900.

Submissions (3):

Labcorp Genetics (formerly Invitae), Labcorp
Classification: Uncertain significance for Ataxia-telangiectasia syndrome. Last evaluated: 2025-07-30. Review status: criteria provided, single submitter. Criteria: Invitae Variant Classification Sherloc (09022015). Collection method: clinical testing. Allele origin: germline.
Comment: This sequence change replaces tyrosine, which is neutral and polar, with cysteine, which is neutral and slightly polar, at codon 861 of the ATM protein (p.Tyr861Cys). This variant is not present in population databases (gnomAD no frequency). This variant has not been reported in the literature in individuals affected with ATM-related conditions. ClinVar contains an entry for this variant (Variation ID: 918663). Invitae Evidence Modeling of protein sequence and biophysical properties (such as structural, functional, and spatial information, amino acid conservation, physicochemical variation, residue mobility, and thermodynamic stability) indicates that this missense variant is not expected to disrupt ATM protein function with a negative predictive value of 95%. In summary, the available evidence is currently insufficient to determine the role of this variant in disease. Therefore, it has been classified as a Variant of Uncertain Significance.

Ambry Genetics
Classification: Uncertain significance for Hereditary cancer-predisposing syndrome. Last evaluated: 2024-08-18. Review status: criteria provided, single submitter. Criteria: Ambry Variant Classification Scheme 2023. Collection method: clinical testing. Allele origin: germline.
Comment: The p.Y861C variant (also known as c.2582A>G), located in coding exon 16 of the ATM gene, results from an A to G substitution at nucleotide position 2582. The tyrosine at codon 861 is replaced by cysteine, an amino acid with highly dissimilar properties. This amino acid position is conserved. In addition, this alteration is predicted to be tolerated by in silico analysis. Based on the available evidence, the clinical significance of this variant remains unclear.

Color Diagnostics, LLC DBA Color Health
Classification: Uncertain significance for Hereditary cancer-predisposing syndrome. Last evaluated: 2024-03-06. Review status: criteria provided, single submitter. Criteria: ACMG Guidelines, 2015. Collection method: clinical testing. Allele origin: germline.
Comment: This missense variant replaces tyrosine with cysteine at codon 861 of the ATM protein. Computational prediction suggests that this variant may not impact protein structure and function (internally defined REVEL score threshold <= 0.5, PMID: 27666373). To our knowledge, functional studies have not been reported for this variant. This variant has not been reported in individuals affected with hereditary cancer in the literature. This variant has not been identified in the general population by the Genome Aggregation Database (gnomAD). The available evidence is insufficient to determine the role of this variant in disease conclusively. Therefore, this variant is classified as a Variant of Uncertain Significance.

NM_000051.4(ATM):c.2582A>G (p.Tyr861Cys)

Gene: ATM (ATM serine/threonine kinase; plus strand). Cytogenetic location: 11q22.3.
Variant type: single nucleotide variant.
Coding change: c.2582A>G on transcript NM_000051.4 (MANE Select); coding-DNA position 2582, A replaced by G.
Protein change: p.Tyr861Cys; replaces tyrosine 861 with cysteine.
Molecular consequence: missense variant.
Genome position (GRCh38, 1-based): chr11:108,267,286, A>G. VCF-style: chr11-108267286-A-G. GRCh37 (hg19) VCF-style: chr11-108138013-A-G.
Other names: c.2582A>G, p.Tyr861Cys (NM_001351834.2); short protein forms Y861C.
Identifiers: ClinVar variation 918663 (VCV000918663.13), dbSNP rs2081309790, ClinGen allele CA382543958.